The following is an entry in ClinVar:

ClinVar aggregate classification (germline): Uncertain significance (1 of 4 stars; one submission).

Submission:

Dasa
Classification: Uncertain significance. Last evaluated: 2024-10-03. Review status: criteria provided, single submitter. Criteria: DASA Assertion Criteria. Collection method: clinical testing. Allele origin: germline.
Comment: NM_014712.3(SETD1A):c.4243T>C (p.Tyr1415His) is a missense variant that results in the substitution of tyrosine with histidine. This variant is absent from population databases. The currently available literature and clinical evidence are not sufficient to establish a definitive association between this variant and the reported condition. Therefore, this variant is classified as a variant of uncertain significance.

NM_014712.3(SETD1A):c.4243T>C (p.Tyr1415His)

Gene: SETD1A (SET domain containing 1A, histone lysine methyltransferase; plus strand). Cytogenetic location: 16p11.2.
Variant type: single nucleotide variant.
Coding change: c.4243T>C on transcript NM_014712.3 (MANE Select); coding-DNA position 4243, T replaced by C.
Protein change: p.Tyr1415His; replaces tyrosine 1415 with histidine.
Molecular consequence: missense variant.
Genome position (GRCh38, 1-based): chr16:30,980,029, T>C. VCF-style: chr16-30980029-T-C. GRCh37 (hg19) VCF-style: chr16-30991350-T-C.
Other names: short protein forms Y1415H.
Identifiers: ClinVar variation 4885912 (VCV004885912.2).